The following is an entry in ClinVar:

NM_001379659.1(ZNF142):c.4901G>A (p.Arg1634His)

Gene: ZNF142 (zinc finger protein 142; minus strand). Cytogenetic location: 2q35.
Variant type: single nucleotide variant.
Coding change: c.4901G>A on transcript NM_001379659.1 (MANE Select); coding-DNA position 4901, G replaced by A.
Protein change: p.Arg1634His; replaces arginine 1634 with histidine.
Molecular consequence: missense variant.
Genome position (GRCh38, 1-based): chr2:218,642,215, C>T on the plus strand (G>A on the coding strand, the complement: ZNF142 is on the minus strand). VCF-style: chr2-218642215-C-T. GRCh37 (hg19) VCF-style: chr2-219506938-C-T.
Other names: c.4301G>A, p.Arg1434His (NM_001105537.5, NM_001379662.1, NM_001366291.3); c.3812G>A, p.Arg1271His (NM_001366287.3, NM_001366288.3, NM_001366289.3); c.4901G>A, p.Arg1634His (NM_001366290.3, NM_001379660.1, NM_001379661.1); short protein forms R1271H, R1434H, R1634H.
Identifiers: ClinVar variation 2578101 (VCV002578101.1), dbSNP rs773306836, ClinGen allele CA2108672.

ClinVar aggregate classification (germline): Uncertain significance (1 of 4 stars; one submission).

Allele frequency attached by ClinVar (database versions not stated): gnomAD 0.00003; ExAC 0.00001; TOPMed 0.00002.
gnomAD v4.1: 12 of 1,614,056 alleles (0.00074%); highest among the groups gnomAD compares: Middle Eastern, 0.016%; no homozygotes.

Submission:

GeneDx
Classification: Uncertain significance. Last evaluated: 2023-03-02. Review status: criteria provided, single submitter. Criteria: GeneDx Variant Classification Process June 2021. Collection method: clinical testing. Allele origin: germline. Affected: yes.
Comment: In silico analysis supports that this missense variant does not alter protein structure/function; Has not been previously published as pathogenic or benign to our knowledge